The following is an entry in ClinVar:

ClinVar aggregate classification (germline): Uncertain significance (1 of 4 stars; one submission).

Conditions:
Immunodeficiency 14 (IMD14A). Also called: ACTIVATED PI3K-DELTA SYNDROME 1; p110-DELTA-ACTIVATING MUTATION CAUSING SENESCENT T CELLS, LYMPHADENOPATHY, AND IMMUNODEFICIENCY; Activated PI3K Delta Syndrome Type 1 (APDS1); IMMUNODEFICIENCY 14A WITH LYMPHOPROLIFERATION, AUTOSOMAL DOMINANT. Identifiers: Orphanet 397596, Orphanet 693661, MedGen C5907821, MONDO:0014222, OMIM 615513.

Allele frequency attached by ClinVar (database versions not stated): gnomAD 0.00001; TOPMed 0.00001; ExAC 0.00002; gnomAD exomes 0.00002.
gnomAD v4.1: 24 of 1,612,222 alleles (0.0015%); highest among the groups gnomAD compares: Non-Finnish European, 0.0018%; no homozygotes.

Submission:

Labcorp Genetics (formerly Invitae), Labcorp
Classification: Uncertain significance for Activated PI3K-delta syndrome. Last evaluated: 2024-11-17. Review status: criteria provided, single submitter. Criteria: Invitae Variant Classification Sherloc (09022015). Collection method: clinical testing. Allele origin: germline.
Comment: This sequence change replaces arginine, which is basic and polar, with glutamine, which is neutral and polar, at codon 154 of the PIK3CD protein (p.Arg154Gln). This variant is present in population databases (rs774223814, gnomAD 0.003%). This variant has not been reported in the literature in individuals affected with PIK3CD-related conditions. ClinVar contains an entry for this variant (Variation ID: 2882599). Invitae Evidence Modeling of protein sequence and biophysical properties (such as structural, functional, and spatial information, amino acid conservation, physicochemical variation, residue mobility, and thermodynamic stability) indicates that this missense variant is expected to disrupt PIK3CD protein function with a positive predictive value of 80%. In summary, the available evidence is currently insufficient to determine the role of this variant in disease. Therefore, it has been classified as a Variant of Uncertain Significance.

NM_005026.5(PIK3CD):c.461G>A (p.Arg154Gln)

Gene: PIK3CD (phosphatidylinositol-4,5-bisphosphate 3-kinase catalytic subunit delta; plus strand). Cytogenetic location: 1p36.22.
Variant type: single nucleotide variant.
Coding change: c.461G>A on transcript NM_005026.5 (MANE Select); coding-DNA position 461, G replaced by A.
Protein change: p.Arg154Gln; replaces arginine 154 with glutamine.
Molecular consequence: missense variant.
Genome position (GRCh38, 1-based): chr1:9,715,939, G>A. VCF-style: chr1-9715939-G-A. GRCh37 (hg19) VCF-style: chr1-9775997-G-A.
Other names: c.461G>A, p.Arg154Gln (NM_001350234.2, NM_001350235.1); short protein forms R154Q.
Identifiers: ClinVar variation 2882599 (VCV002882599.3), dbSNP rs774223814, ClinGen allele CA576885.